The following is an entry in ClinVar:

NM_006017.3(PROM1):c.*1052G>A

Gene: PROM1 (prominin 1; minus strand). Cytogenetic location: 4p15.32.
Variant type: single nucleotide variant.
Coding change: c.*1052G>A on transcript NM_006017.3 (MANE Select); 1052 bases downstream of the stop codon, G replaced by A.
Molecular consequence: 3 prime UTR variant.
Genome position (GRCh38, 1-based): chr4:15,968,341, C>T on the plus strand (G>A on the coding strand, the complement: PROM1 is on the minus strand). VCF-style: chr4-15968341-C-T. GRCh37 (hg19) VCF-style: chr4-15969964-C-T.
Other names: c.*1052G>A (NM_001145847.2, NM_001145848.2, NM_001145849.2 and 6 more transcripts).
Identifiers: ClinVar variation 347965 (VCV000347965.5), dbSNP rs577484119, ClinGen allele CA10618184.

ClinVar aggregate classification (germline): Conflicting classifications of pathogenicity. Review status: criteria provided, conflicting classifications (1 of 4 stars). 4 submissions from 1 submitter: Uncertain significance (1); Benign (2); Likely benign (1). Last evaluated 2018-01-12.

Conditions:
Cone-rod dystrophy 12 (CORD12). Identifiers: Orphanet 1872, MedGen C2675210, MONDO:0012983, OMIM 612657.
Retinal macular dystrophy type 2 (MCDR2). Also called: Bull's eye macular dystrophy. Identifiers: Orphanet 319640, MedGen C4749334, MONDO:0011957, OMIM 608051.
Retinitis pigmentosa (RP). Identifiers: Orphanet 791, MedGen C0035334, MeSH D012174, MONDO:0019200, OMIM 268000. Inheritance: Autosomal dominant, autosomal recessive and X linked inheritance.
Stargardt disease 4 (STGD4). Identifiers: Orphanet 827, MedGen C1863534, MONDO:0011370, OMIM 603786.

Allele frequency attached by ClinVar (database versions not stated): gnomAD 0.00004 and 0.00037; TOPMed 0.00008; 1000 Genomes Project 30x 0.00297; 1000 Genomes Project 0.00319.

Submissions (4):

Illumina Laboratory Services, Illumina
Classification: Likely benign for Retinal macular dystrophy type 2. Last evaluated: 2018-01-12. Review status: criteria provided, single submitter. Criteria: ICSL Variant Classification Criteria 13 December 2019. Collection method: clinical testing. Allele origin: germline.
Comment: This variant was observed in the ICSL laboratory as part of a predisposition screen in an ostensibly healthy population. It had not been previously curated by ICSL or reported in the Human Gene Mutation Database (HGMD: prior to June 1st, 2018), and was therefore a candidate for classification through an automated scoring system. Utilizing variant allele frequency, disease prevalence and penetrance estimates, and inheritance mode, an automated score was calculated to assess if this variant is too frequent to cause the disease. Based on the score and internal cut-off values, a variant classified as likely benign is not then subjected to further curation. The score for this variant resulted in a classification of likely benign for this disease.

Illumina Laboratory Services, Illumina
Classification: Uncertain significance for Retinitis pigmentosa. Last evaluated: 2018-01-12. Review status: criteria provided, single submitter. Criteria: ICSL Variant Classification Criteria 13 December 2019. Collection method: clinical testing. Allele origin: germline.

Illumina Laboratory Services, Illumina
Classification: Benign for Stargardt disease 4. Last evaluated: 2018-01-12. Review status: criteria provided, single submitter. Criteria: ICSL Variant Classification Criteria 13 December 2019. Collection method: clinical testing. Allele origin: germline.
Comment: This variant was observed in the ICSL laboratory as part of a predisposition screen in an ostensibly healthy population. It had not been previously curated by ICSL or reported in the Human Gene Mutation Database (HGMD: prior to June 1st, 2018), and was therefore a candidate for classification through an automated scoring system. Utilizing variant allele frequency, disease prevalence and penetrance estimates, and inheritance mode, an automated score was calculated to assess if this variant is too frequent to cause the disease. Based on the score and internal cut-off values, a variant classified as benign is not then subjected to further curation. The score for this variant resulted in a classification of benign for this disease.

Illumina Laboratory Services, Illumina
Classification: Benign for Cone-rod dystrophy 12. Last evaluated: 2018-01-12. Review status: criteria provided, single submitter. Criteria: ICSL Variant Classification Criteria 13 December 2019. Collection method: clinical testing. Allele origin: germline.
Comment: the same text as in the submission from Illumina Laboratory Services, Illumina above.